The following is an entry in ClinVar:

NM_001128178.3(NPHP1):c.343del (p.Thr115fs)

Gene: NPHP1 (nephrocystin 1; minus strand). Cytogenetic location: 2q13.
Variant type: Deletion.
Coding change: c.343del on transcript NM_001128178.3 (MANE Select); coding-DNA position 343, one base deleted (A; older notation c.343delA).
Protein change: p.Thr115fs; shifts the reading frame from threonine 115.
Molecular consequence: frameshift variant.
Genome position (GRCh38, 1-based): chr2:110,169,985, T deleted on the plus strand (A on the coding strand, the reverse complement: NPHP1 is on the minus strand). VCF-style (leftmost placement, unchanged base first): chr2-110169984-GT-G. GRCh37 (hg19) VCF-style: chr2-110927561-GT-G.
Other names: c.343del, p.Thr115fs (NM_000272.5, NM_001374256.1, NM_001374257.1 and 1 more transcripts); c.157del, p.Thr53fs (NM_001128179.3); short protein forms T115fs, T53fs.
Identifiers: ClinVar variation 2756621 (VCV002756621.3), dbSNP rs2467405409, ClinGen allele CA2697551005.

ClinVar aggregate classification (germline): Pathogenic (1 of 4 stars; one submission).

Conditions:
Nephronophthisis. Also called: Juvenile Nephronophthisis. Identifiers: Orphanet 655, MedGen C0687120, MONDO:0019005, HP:0000090.

Submission:

Labcorp Genetics (formerly Invitae), Labcorp
Classification: Pathogenic for Nephronophthisis. Last evaluated: 2023-09-08. Review status: criteria provided, single submitter. Criteria: Invitae Variant Classification Sherloc (09022015). Collection method: clinical testing. Allele origin: germline.
Comment: For these reasons, this variant has been classified as Pathogenic. This variant has not been reported in the literature in individuals affected with NPHP1-related conditions. This variant is not present in population databases (gnomAD no frequency). This sequence change creates a premature translational stop signal (p.Thr115Leufs*67) in the NPHP1 gene. It is expected to result in an absent or disrupted protein product. Loss-of-function variants in NPHP1 are known to be pathogenic (PMID: 23559409).

Literature cited by the submitters: PubMed 23559409.